The following is an entry in ClinVar:

ClinVar aggregate classification (germline): Uncertain significance (1 of 4 stars; one submission).

Conditions:
Hereditary cancer-predisposing syndrome. Also called: Hereditary Cancer Syndrome; Hereditary neoplastic syndrome; Neoplastic Syndromes, Hereditary; Tumor predisposition. Identifiers: Orphanet 140162, MedGen C0027672, MeSH D009386, MONDO:0015356.

Submission:

Ambry Genetics
Classification: Uncertain significance for Hereditary cancer-predisposing syndrome. Last evaluated: 2022-09-27. Review status: criteria provided, single submitter. Criteria: Ambry Variant Classification Scheme 2023. Collection method: clinical testing. Allele origin: germline.
Comment: The p.R463I variant (also known as c.1388G>T), located in coding exon 10 of the APC gene, results from a G to T substitution at nucleotide position 1388. The arginine at codon 463 is replaced by isoleucine, an amino acid with similar properties. This amino acid position is conserved. In addition, in silico predictors for this gene do not accurately predict pathogenicity. Since supporting evidence is limited at this time, the clinical significance of this alteration remains unclear.

NM_000038.6(APC):c.1388G>T (p.Arg463Ile)

Gene: APC (APC regulator of Wnt signaling pathway; plus strand). Cytogenetic location: 5q22.2.
Variant type: single nucleotide variant.
Coding change: c.1388G>T on transcript NM_000038.6 (MANE Select); coding-DNA position 1388, G replaced by T.
Protein change: p.Arg463Ile; replaces arginine 463 with isoleucine.
Molecular consequence: missense variant.
Genome position (GRCh38, 1-based): chr5:112,821,971, G>T. VCF-style: chr5-112821971-G-T. GRCh37 (hg19) VCF-style: chr5-112157668-G-T.
Other names: c.1388G>T, p.Arg463Ile (NM_001127510.3, NM_001354895.2, NM_001354896.2 and 4 more transcripts); c.1334G>T, p.Arg445Ile (NM_001127511.3); c.1418G>T, p.Arg473Ile (NM_001354897.2, NM_001407446.1); c.1313G>T, p.Arg438Ile (NM_001354898.2, NM_001407451.1); c.1304G>T, p.Arg435Ile (NM_001354899.2, NM_001407452.1); c.1211G>T, p.Arg404Ile (NM_001354900.2, NM_001354901.2, NM_001407453.1); c.1115G>T, p.Arg372Ile (NM_001354902.2); c.1085G>T, p.Arg362Ile (NM_001354903.2, NM_001407454.1, NM_001407455.1 and 5 more transcripts); and 5 more; short protein forms R435I, R473I, R334I, R337I, R362I, R372I, R445I, R463I.
Identifiers: ClinVar variation 1771460 (VCV001771460.2), dbSNP rs1763187204, ClinGen allele CA16024349.